The following is an entry in ClinVar:

ClinVar aggregate classification (germline): Uncertain significance (1 of 4 stars; one submission).

Conditions:
Hereditary cancer-predisposing syndrome. Also called: Tumor predisposition; Hereditary neoplastic syndrome; Neoplastic Syndromes, Hereditary; Hereditary Cancer Syndrome. Identifiers: Orphanet 140162, MedGen C0027672, MeSH D009386, MONDO:0015356.

Submission:

Ambry Genetics
Classification: Uncertain significance for Hereditary cancer-predisposing syndrome. Last evaluated: 2025-02-14. Review status: criteria provided, single submitter. Criteria: Ambry Variant Classification Scheme 2023. Collection method: clinical testing. Allele origin: germline.
Comment: The c.1473+2T>C intronic variant results from a T to C substitution two nucleotides after coding exon 14 in the POLE gene. Alterations that disrupt the canonical splice site are expected to cause aberrant splicing. In silico splice site analysis predicts that this alteration will weaken the native splice donor site. RNA studies have demonstrated that this alteration results in a transcript predicted to lead to a protein with an in-frame deletion of 38 amino acids; however, the exact functional impact of the deleted amino acids is unknown at this time (Ambry internal data). This nucleotide position is highly conserved in available vertebrate species. Based on the available evidence, the clinical significance of this variant remains unclear.

NM_006231.4(POLE):c.1473+2T>C

Gene: POLE (DNA polymerase epsilon, catalytic subunit; minus strand). Cytogenetic location: 12q24.33.
Variant type: single nucleotide variant.
Coding change: c.1473+2T>C on transcript NM_006231.4 (MANE Select); the canonical splice donor site of the intron after coding-DNA position 1473, T replaced by C.
Molecular consequence: splice donor variant.
Genome position (GRCh38, 1-based): chr12:132,673,162, A>G on the plus strand (T>C on the coding strand, the complement: POLE is on the minus strand). VCF-style: chr12-132673162-A-G. GRCh37 (hg19) VCF-style: chr12-133249748-A-G.
Identifiers: ClinVar variation 819317 (VCV000819317.5), dbSNP rs1593072081, ClinGen allele CA387357987.